The following is an entry in ClinVar:

ClinVar aggregate classification (germline): Uncertain significance (1 of 4 stars; one submission).

Conditions:
PDE1C-related disorder. Also called: PDE1C-related condition.

gnomAD v4.1: 170 of 1,610,806 alleles (0.011%); highest among the groups gnomAD compares: African/African-American, 0.028%; no homozygotes.

Submission:

PreventionGenetics, part of Exact Sciences
Classification: Uncertain significance for PDE1C-related condition. Last evaluated: 2026-06-30. Review status: criteria provided, single submitter. Criteria: ACMG Guidelines, 2015. Collection method: clinical testing. Allele origin: germline.
Comment: The PDE1C c.2170C>T variant is predicted to result in the amino acid substitution p.Arg724Cys. To our knowledge, this variant has not been reported in the literature. This variant is reported in 0.026% of alleles in individuals of African descent in gnomAD. Although we suspect that this variant may be benign, at this time, the clinical significance of this variant is uncertain due to the absence of conclusive functional and genetic evidence.

NM_001191057.4(PDE1C):c.1990C>T (p.Arg664Cys)

Gene: PDE1C (phosphodiesterase 1C; minus strand). Cytogenetic location: 7p14.3.
Variant type: single nucleotide variant.
Coding change: c.1990C>T on transcript NM_001191057.4 (MANE Select); coding-DNA position 1990, C replaced by T.
Protein change: p.Arg664Cys; replaces arginine 664 with cysteine.
Molecular consequence: missense variant.
Genome position (GRCh38, 1-based): chr7:31,753,524, G>A on the plus strand (C>T on the coding strand, the complement: PDE1C is on the minus strand). VCF-style: chr7-31753524-G-A. GRCh37 (hg19) VCF-style: chr7-31793138-G-A.
Other names: c.2170C>T, p.Arg724Cys (NM_001191058.4); c.1990C>T, p.Arg664Cys (NM_001191059.4, NM_001322055.2); short protein forms R664C, R724C.
Identifiers: ClinVar variation 4981180 (VCV004981180.1).